The following is an entry in ClinVar:

ClinVar aggregate classification (germline): Pathogenic. Review status: criteria provided, multiple submitters, no conflicts (2 of 4 stars). 4 submissions from 4 submitters: Pathogenic (4). Last evaluated 2025-11-11.

Conditions:
Hereditary cancer-predisposing syndrome. Also called: Neoplastic Syndromes, Hereditary; Hereditary neoplastic syndrome; Hereditary Cancer Syndrome; Tumor predisposition. Identifiers: Orphanet 140162, MedGen C0027672, MeSH D009386, MONDO:0015356.
Hereditary breast ovarian cancer syndrome. Also called: Breast and ovarian cancer; Hereditary breast and ovarian cancer; Hereditary breast and ovarian cancer syndrome (HBOC); BRCA1- and BRCA2-Associated Hereditary Breast and Ovarian Cancer; Hereditary breast and/or ovarian cancer syndrome; Hereditary breast and ovarian cancer syndrome. Identifiers: Orphanet 145, MedGen C0677776, MeSH D061325, MONDO:0003582. Disease mechanism: loss of function.
Familial cancer of breast. Also called: hereditary breast carcinoma; Hereditary breast cancer; BREAST CANCER, FAMILIAL. Identifiers: Orphanet 227535, MedGen C0346153, MONDO:0016419, OMIM 114480. Disease mechanism: loss of function.

Submissions (4):

Institute of Medical Genetics and Applied Genomics, University Hospital Tübingen
Classification: Pathogenic for Familial cancer of breast. Last evaluated: 2025-11-11. Review status: criteria provided, single submitter. Criteria: ACMG Guidelines, 2015. Collection method: clinical testing. Allele origin: germline. Inheritance: Autosomal dominant inheritance. Affected: yes.

GeneKor MSA
Classification: Pathogenic for Hereditary breast ovarian cancer syndrome. Last evaluated: 2025-06-26. Review status: criteria provided, single submitter. Criteria: ACMG Guidelines, 2015. Collection method: clinical testing. Allele origin: germline. Affected: yes.
Comment: This sequence change inserts one base in exon 19 of the BRCA2 mRNA c.(8414dup) causing a frameshift after codon 2805 and the creation of a premature translation stop signal 7 amino acid residues later, p.(Leu2805Phefs*7). This is expected to result in an absent or disrupted protein product. Truncating variants in BRCA2 are known to be pathogenic. This variant has been reported in individual(s) with personal or family history of breast and/or ovarian cancer (PMID:31954625). This variant is not present in population databases. The mutation database ClinVar contains entries for this variant where it is listed as pathogenic (VCV002972699.3). Based on the classification criteria set by the ACMG and AMP (PMID:25741868) this variant has been classified as Pathogenic. According to international guidelines it is recommended that relatives of the patient are tested for the above mutation

Labcorp Genetics (formerly Invitae), Labcorp
Classification: Pathogenic for Hereditary breast ovarian cancer syndrome. Last evaluated: 2024-01-29. Review status: criteria provided, single submitter. Criteria: Invitae Variant Classification Sherloc (09022015). Collection method: clinical testing. Allele origin: germline.
Comment: This sequence change creates a premature translational stop signal (p.Leu2805Phefs*7) in the BRCA2 gene. It is expected to result in an absent or disrupted protein product. Loss-of-function variants in BRCA2 are known to be pathogenic (PMID: 20104584). This variant is not present in population databases (gnomAD no frequency). This premature translational stop signal has been observed in individual(s) with personal or family history of breast and/or ovarian cancer (PMID: 31954625). For these reasons, this variant has been classified as Pathogenic.

Color Diagnostics, LLC DBA Color Health
Classification: Pathogenic for Hereditary cancer-predisposing syndrome. Last evaluated: 2023-05-31. Review status: criteria provided, single submitter. Criteria: ACMG Guidelines, 2015. Collection method: clinical testing. Allele origin: germline.
Comment: This variant inserts 1 nucleotide in exon 19 of the BRCA2 gene, creating a frameshift and premature translation stop signal. This variant is expected to result in an absent or non-functional protein product. This variant has been detected in individuals affected with BRCA2-associated cancers and/or relevant family history (Color internal data). This variant has not been identified in the general population by the Genome Aggregation Database (gnomAD). Loss of BRCA2 function is a known mechanism of disease. Based on the available evidence, this variant is classified as Pathogenic.

Literature cited by the submitters: PubMed 31954625 (cited by GeneKor MSA and Labcorp Genetics (formerly Invitae), Labcorp); PubMed 20104584 (cited by Labcorp Genetics (formerly Invitae), Labcorp).

NM_000059.4(BRCA2):c.8414dup (p.Leu2805fs)

Gene: BRCA2 (BRCA2 DNA repair associated; plus strand). Cytogenetic location: 13q13.1.
Variant type: Duplication.
Coding change: c.8414dup on transcript NM_000059.4 (MANE Select); coding-DNA position 8414, one base duplicated (T; older notation c.8414dupT).
Protein change: p.Leu2805fs; shifts the reading frame from leucine 2805.
Molecular consequence: frameshift variant.
Genome position (GRCh38, 1-based): chr13:32,370,484, T duplicated; the last of 2 consecutive T bases (chr13:32,370,483-32,370,484); duplicating either gives the same sequence. VCF-style (leftmost placement, unchanged base first): chr13-32370482-C-CT. GRCh37 (hg19) VCF-style: chr13-32944619-C-CT.
Other names: short protein forms L2805fs.
Identifiers: ClinVar variation 2972699 (VCV002972699.5), dbSNP rs2548550087, ClinGen allele CA2499222331.